The following is an entry in ClinVar:

NM_002769.5(PRSS1):c.646T>C (p.Trp216Arg)

Genes: PRSS1 (serine protease 1; plus strand), TRB (T cell receptor beta locus; plus strand). Cytogenetic location: 7q34.
Variant type: single nucleotide variant.
Coding change: c.646T>C on transcript NM_002769.5 (MANE Select); coding-DNA position 646, T replaced by C.
Protein change: p.Trp216Arg; replaces tryptophan 216 with arginine.
Molecular consequence: missense variant. On other transcripts: non-coding transcript variant (5).
Genome position (GRCh38, 1-based): chr7:142,752,922, T>C. VCF-style: chr7-142752922-T-C. GRCh37 (hg19) VCF-style: chr7-142460773-T-C.
Other names: short protein forms W216R.
Identifiers: ClinVar variation 3426299 (VCV003426299.1).

ClinVar aggregate classification (germline): Uncertain significance (1 of 4 stars; one submission).

Conditions:
Hereditary pancreatitis (PCTT). Also called: Hereditary chronic pancreatitis; PRSS1-Related Hereditary Pancreatitis. Identifiers: Orphanet 676, MedGen C0238339, MONDO:0008185, OMIM 167800.

gnomAD v4.1: 3 of 1,613,988 alleles (0.00019%); highest among the groups gnomAD compares: African/African-American, 0.004%; no homozygotes.

Submission:

Ambry Genetics
Classification: Uncertain significance for Hereditary pancreatitis. Last evaluated: 2024-10-18. Review status: criteria provided, single submitter. Criteria: Ambry Variant Classification Scheme 2023. Collection method: clinical testing. Allele origin: germline.
Comment: The p.W216R variant (also known as c.646T>C), located in coding exon 5 of the PRSS1 gene, results from a T to C substitution at nucleotide position 646. The tryptophan at codon 216 is replaced by arginine, an amino acid with dissimilar properties. This amino acid position is highly conserved in available vertebrate species. In addition, this alteration is predicted to be deleterious by in silico analysis. Based on the available evidence, the clinical significance of this variant remains unclear.